The following is an entry in ClinVar:

ClinVar aggregate classification (germline): Likely pathogenic. Review status: criteria provided, multiple submitters, no conflicts (2 of 4 stars). 3 submissions from 3 submitters: Likely pathogenic (2). 1 of the submissions does not count toward it. Last evaluated 2024-05-22.

Conditions:
Dilated cardiomyopathy 1G (CMD1G). Identifiers: Orphanet 154, MedGen C1858763, MONDO:0011400, OMIM 604145.
Autosomal recessive limb-girdle muscular dystrophy type 2J (LGMDR10). Also called: MUSCULAR DYSTROPHY, LIMB-GIRDLE, AUTOSOMAL RECESSIVE 10; Limb-girdle muscular dystrophy, type 2J. Identifiers: Orphanet 140922, MedGen C1837342, MONDO:0012127, OMIM 608807.

Allele frequency attached by ClinVar (database versions not stated): TOPMed below 0.00001; gnomAD 0.00001.
gnomAD v4.1: 1 of 1,612,882 alleles (0.000062%); highest among the groups gnomAD compares: Non-Finnish European, 0.000085%; no homozygotes.

Submissions (3):

Labcorp Genetics (formerly Invitae), Labcorp
Classification: Likely pathogenic for Dilated cardiomyopathy 1G; Autosomal recessive limb-girdle muscular dystrophy type 2J. Last evaluated: 2024-05-22. Review status: criteria provided, single submitter. Criteria: Invitae Variant Classification Sherloc (09022015). Collection method: clinical testing. Allele origin: germline.
Comment: This sequence change creates a premature translational stop signal (p.Gln21124*) in the TTN gene. While this is not anticipated to result in nonsense mediated decay, it is expected to create a truncated TTN protein. This variant is present in population databases (no rsID available, gnomAD 0.007%). This premature translational stop signal has been observed in individual(s) with early onset atrial fibrillation (PMID: 30535219). ClinVar contains an entry for this variant (Variation ID: 1502137). This variant is located in the A band of TTN (PMID: 25589632). Truncating variants in this region are significantly overrepresented in patients affected with dilated cardiomyopathy (PMID: 25589632). Truncating variants in this region have also been reported in individuals affected with autosomal recessive centronuclear myopathy (PMID: 23975875). In summary, the currently available evidence indicates that the variant is pathogenic, but additional data are needed to prove that conclusively. Therefore, this variant has been classified as Likely Pathogenic.

GeneDx
Classification: Likely pathogenic. Last evaluated: 2023-04-06. Review status: criteria provided, single submitter. Criteria: GeneDx Variant Classification Process June 2021. Collection method: clinical testing. Allele origin: germline. Affected: yes.
Comment: Nonsense variant predicted to result in protein truncation or nonsense mediated decay in a gene for which loss of function is a known mechanism of disease; Located in the A-band region of TTN in which the majority of loss of function variants have been associated with autosomal dominant titinopathies (Herman et al., 2012); Not observed at significant frequency in large population cohorts (gnomAD); This variant is associated with the following publications: (PMID: 30535219, 22335739, 34495297)

Cardiogenetics and Myogenetics Molecular and Cellular Functional Unit, Aphp Sorbonne University-Hopital Pitie Salpetriere
Classification: Likely pathogenic for Dilated cardiomyopathy 1G. Last evaluated: 2024-01-06. Review status: no assertion criteria provided. Collection method: clinical testing. Allele origin: germline. Affected: yes. Not counted in ClinVar's aggregate classification.

Literature cited by the submitters: PubMed 30535219 (cited by Labcorp Genetics (formerly Invitae), Labcorp); PubMed 25589632 (cited by Labcorp Genetics (formerly Invitae), Labcorp); PubMed 23975875 (cited by Labcorp Genetics (formerly Invitae), Labcorp).

NM_001267550.2(TTN):c.63370C>T (p.Gln21124Ter)

Genes: TTN (titin; minus strand), TTN-AS1 (TTN antisense RNA 1; plus strand). Cytogenetic location: 2q31.2.
Variant type: single nucleotide variant.
Coding change: c.63370C>T on transcript NM_001267550.2 (MANE Select); coding-DNA position 63370, C replaced by T.
Protein change: p.Gln21124Ter; replaces glutamine 21124 with a stop codon.
Molecular consequence: nonsense.
Genome position (GRCh38, 1-based): chr2:178,588,037, G>A on the plus strand (C>T on the coding strand, the complement: TTN is on the minus strand). VCF-style: chr2-178588037-G-A. GRCh37 (hg19) VCF-style: chr2-179452764-G-A.
Other names: c.63370C>T (NM_001267550.1); c.58447C>T, p.Gln19483Ter (NM_001256850.1); c.36175C>T, p.Gln12059Ter (NM_003319.4); c.55666C>T, p.Gln18556Ter (NM_133378.4); c.36550C>T, p.Gln12184Ter (NM_133432.3); c.36751C>T, p.Gln12251Ter (NM_133437.4); short protein forms Q12184*, Q12251*, Q18556*, Q21124*, Q12059*, Q19483*.
Identifiers: ClinVar variation 1502137 (VCV001502137.10), dbSNP rs1341948399, ClinGen allele CA349453254.
Genomic context (GRCh38, chr2:178,588,037, plus strand): 5'-TGAACTCATATTCCTGGTTTTCATCCAAGCTGGTAACAGTGAATTCCTTGCGTACAAGCT[G>A]TGCTGCAGCATTACACCGTTTCCAGCCTTCATCAGGAGACGCATCTGCTATTTTTGGTCT-3'